The following is an entry in ClinVar:

ClinVar aggregate classification (germline): Uncertain significance. Review status: criteria provided, multiple submitters, no conflicts (2 of 4 stars). 2 submissions from 2 submitters: Uncertain significance (2). Last evaluated 2025-08-03.

Conditions:
Inborn genetic diseases. Identifiers: MedGen C0950123, MeSH D030342.
L-2-hydroxyglutaric aciduria (L2HGA). Identifiers: Orphanet 79314, MedGen C1855995, MONDO:0009370, OMIM 236792, HP:0040144.

Allele frequency attached by ClinVar (database versions not stated): TOPMed below 0.00001; gnomAD 0.00001; gnomAD exomes 0.00002; ESP Exome Variant Server 0.00008.
gnomAD v4.1: 26 of 1,614,046 alleles (0.0016%); highest among the groups gnomAD compares: African/African-American, 0.0027%; no homozygotes.

Submissions (2):

Ambry Genetics
Classification: Uncertain significance for Inborn genetic diseases. Last evaluated: 2025-08-03. Review status: criteria provided, single submitter. Criteria: Ambry Variant Classification Scheme 2023. Collection method: clinical testing. Allele origin: germline.

Labcorp Genetics (formerly Invitae), Labcorp
Classification: Uncertain significance for L-2-hydroxyglutaric aciduria. Last evaluated: 2024-05-13. Review status: criteria provided, single submitter. Criteria: Invitae Variant Classification Sherloc (09022015). Collection method: clinical testing. Allele origin: germline.
Comment: This sequence change replaces histidine, which is basic and polar, with glutamine, which is neutral and polar, at codon 92 of the L2HGDH protein (p.His92Gln). This variant is not present in population databases (gnomAD no frequency). This variant has not been reported in the literature in individuals affected with L2HGDH-related conditions. ClinVar contains an entry for this variant (Variation ID: 2569607). Advanced modeling of protein sequence and biophysical properties (such as structural, functional, and spatial information, amino acid conservation, physicochemical variation, residue mobility, and thermodynamic stability) performed at Invitae indicates that this missense variant is expected to disrupt L2HGDH protein function with a positive predictive value of 80%. In summary, the available evidence is currently insufficient to determine the role of this variant in disease. Therefore, it has been classified as a Variant of Uncertain Significance.

NM_024884.3(L2HGDH):c.276T>A (p.His92Gln)

Gene: L2HGDH (L-2-hydroxyglutarate dehydrogenase; minus strand). Cytogenetic location: 14q21.3.
Variant type: single nucleotide variant.
Coding change: c.276T>A on transcript NM_024884.3 (MANE Select); coding-DNA position 276, T replaced by A.
Protein change: p.His92Gln; replaces histidine 92 with glutamine.
Molecular consequence: missense variant.
Genome position (GRCh38, 1-based): chr14:50,302,149, A>T on the plus strand (T>A on the coding strand, the complement: L2HGDH is on the minus strand). VCF-style: chr14-50302149-A-T. GRCh37 (hg19) VCF-style: chr14-50768867-A-T.
Other names: short protein forms H92Q.
Identifiers: ClinVar variation 2569607 (VCV002569607.4), dbSNP rs369343051, ClinGen allele CA260759842.